The following is an entry in ClinVar:

NM_001385641.1(SAMD11):c.2412_2414del (p.Thr806del)

Gene: SAMD11 (sterile alpha motif domain containing 11; plus strand). Cytogenetic location: 1p36.33.
Variant type: Deletion.
Coding change: c.2412_2414del on transcript NM_001385641.1 (MANE Select); coding-DNA positions 2412 to 2414, 3 bases deleted (CAC; older notation c.2412_2414delCAC).
Protein change: p.Thr806del; deletes threonine 806.
Molecular consequence: inframe deletion.
Genome position (GRCh38, 1-based): chr1:944,030-944,032, CAC deleted; deleting any 3 consecutive bases within chr1:944,029-944,032 gives the same sequence; the c. name uses the placement nearest the transcript's 3' end. VCF-style (leftmost placement, unchanged base first): chr1-944028-CCCA-C. GRCh37 (hg19) VCF-style: chr1-879408-CCCA-C.
Other names: c.2415_2417del, p.Thr807del (NM_001385640.1); c.1923_1925del, p.Thr643del (NM_152486.4); short protein forms T806del, T807del, T643del.
Identifiers: ClinVar variation 2007871 (VCV002007871.4), dbSNP rs2522732510, ClinGen allele CA2580062508.

ClinVar aggregate classification (germline): Uncertain significance (1 of 4 stars; one submission).

Submission:

Labcorp Genetics (formerly Invitae), Labcorp
Classification: Uncertain significance. Last evaluated: 2022-06-18. Review status: criteria provided, single submitter. Criteria: Invitae Variant Classification Sherloc (09022015). Collection method: clinical testing. Allele origin: germline.
Comment: In summary, the available evidence is currently insufficient to determine the role of this variant in disease. Therefore, it has been classified as a Variant of Uncertain Significance. Experimental studies and prediction algorithms are not available or were not evaluated, and the functional significance of this variant is currently unknown. This variant has not been reported in the literature in individuals affected with SAMD11-related conditions. This variant is not present in population databases (gnomAD no frequency). This variant, c.1923_1925del, results in the deletion of 1 amino acid(s) of the SAMD11 protein (p.Thr643del), but otherwise preserves the integrity of the reading frame.